The following is an entry in ClinVar:

NM_000059.4(BRCA2):c.6421G>T (p.Gly2141Cys)

Gene: BRCA2 (BRCA2 DNA repair associated; plus strand). Cytogenetic location: 13q13.1.
Variant type: single nucleotide variant.
Coding change: c.6421G>T on transcript NM_000059.4 (MANE Select); coding-DNA position 6421, G replaced by T.
Protein change: p.Gly2141Cys; replaces glycine 2141 with cysteine.
Molecular consequence: missense variant.
Genome position (GRCh38, 1-based): chr13:32,340,776, G>T. VCF-style: chr13-32340776-G-T. GRCh37 (hg19) VCF-style: chr13-32914913-G-T.
Other names: short protein forms G2141C.
Identifiers: ClinVar variation 860897 (VCV000860897.15), dbSNP rs907252547, ClinGen allele CA247513726.

ClinVar aggregate classification (germline): Conflicting classifications of pathogenicity. Review status: criteria provided, conflicting classifications (1 of 4 stars). 4 submissions from 4 submitters: Uncertain significance (3); Likely benign (1). Last evaluated 2024-11-17.

Conditions:
Hereditary breast ovarian cancer syndrome. Also called: Hereditary breast and ovarian cancer; Breast and ovarian cancer; Hereditary breast and/or ovarian cancer syndrome; Hereditary breast and ovarian cancer syndrome; Hereditary breast and ovarian cancer syndrome (HBOC); BRCA1- and BRCA2-Associated Hereditary Breast and Ovarian Cancer. Identifiers: Orphanet 145, MedGen C0677776, MeSH D061325, MONDO:0003582. Disease mechanism: loss of function.
Hereditary cancer-predisposing syndrome. Also called: Tumor predisposition; Hereditary neoplastic syndrome; Neoplastic Syndromes, Hereditary; Hereditary Cancer Syndrome. Identifiers: Orphanet 140162, MedGen C0027672, MeSH D009386, MONDO:0015356.

Allele frequency attached by ClinVar (database versions not stated): TOPMed below 0.00001.

Submissions (4):

GeneDx
Classification: Uncertain significance. Last evaluated: 2024-11-17. Review status: criteria provided, single submitter. Criteria: GeneDx Variant Classification Process June 2021. Collection method: clinical testing. Allele origin: germline. Affected: yes.
Comment: Not observed at significant frequency in large population cohorts (gnomAD); In silico analysis indicates that this missense variant does not alter protein structure/function; Has not been previously published as pathogenic or benign to our knowledge; Also known as 6649G>T

Ambry Genetics
Classification: Uncertain significance for Hereditary cancer-predisposing syndrome. Last evaluated: 2024-06-06. Review status: criteria provided, single submitter. Criteria: Ambry Variant Classification Scheme 2023. Collection method: clinical testing. Allele origin: germline.
Comment: The p.G2141C variant (also known as c.6421G>T), located in coding exon 10 of the BRCA2 gene, results from a G to T substitution at nucleotide position 6421. The glycine at codon 2141 is replaced by cysteine, an amino acid with highly dissimilar properties. This amino acid position is not well conserved in available vertebrate species. In addition, this alteration is predicted to be tolerated by in silico analysis. Based on the available evidence, the clinical significance of this variant remains unclear.

Labcorp Genetics (formerly Invitae), Labcorp
Classification: Uncertain significance for Hereditary breast ovarian cancer syndrome. Last evaluated: 2024-01-19. Review status: criteria provided, single submitter. Criteria: Invitae Variant Classification Sherloc (09022015). Collection method: clinical testing. Allele origin: germline.
Comment: This sequence change replaces glycine, which is neutral and non-polar, with cysteine, which is neutral and slightly polar, at codon 2141 of the BRCA2 protein (p.Gly2141Cys). This variant is not present in population databases (gnomAD no frequency). This variant has not been reported in the literature in individuals affected with BRCA2-related conditions. ClinVar contains an entry for this variant (Variation ID: 860897). Advanced modeling of protein sequence and biophysical properties (such as structural, functional, and spatial information, amino acid conservation, physicochemical variation, residue mobility, and thermodynamic stability) performed at Invitae indicates that this missense variant is not expected to disrupt BRCA2 protein function with a negative predictive value of 95%. In summary, the available evidence is currently insufficient to determine the role of this variant in disease. Therefore, it has been classified as a Variant of Uncertain Significance.

University of Washington Department of Laboratory Medicine, University of Washington
Classification: Likely benign for Hereditary cancer-predisposing syndrome. Last evaluated: 2023-03-23. Review status: criteria provided, single submitter. Criteria: Dines et al. (Genet Med. 2020). Collection method: curation. Allele origin: germline.
Comment: Missense variant in a coldspot region where missense variants are very unlikely to be pathogenic (PMID:31911673).

BRCA2 exon 11 coldspot. Reclassification based on statistical prior probability.